The following is an entry in ClinVar:

ClinVar aggregate classification (germline): Conflicting classifications of pathogenicity. Review status: criteria provided, conflicting classifications (1 of 4 stars). 2 submissions from 1 submitter: Uncertain significance (1); Likely benign (1). Last evaluated 2018-01-13.

Conditions:
Bronchiectasis with or without elevated sweat chloride 2 (BESC2). Identifiers: Orphanet 60033, MedGen C2751666, MONDO:0013087, OMIM 613021.
Pseudohypoaldosteronism, type IB1, autosomal recessive. Also called: Pseudohypoaldosteronism, Type I, Recessive; Autosomal recessive pseudohypoaldosteronism type 1; Pseudohypoaldosteronism, Type I, Autosomal Recessive; PHA I, AUTOSOMAL RECESSIVE. Identifiers: Orphanet 171876, Orphanet 756, MedGen C5774176, MONDO:0009917, OMIM 264350.

Allele frequency attached by ClinVar (database versions not stated): gnomAD 0.00001 and 0.00002; gnomAD exomes 0.00001 and 0.00003; ExAC 0.00002; TOPMed 0.00003.
gnomAD v4.1: 50 of 1,613,926 alleles (0.0031%); highest among the groups gnomAD compares: Non-Finnish European, 0.0038%; no homozygotes.

Submissions (2):

Illumina Laboratory Services, Illumina
Classification: Uncertain significance for Pseudohypoaldosteronism, type IB1, autosomal recessive. Last evaluated: 2018-01-13. Review status: criteria provided, single submitter. Criteria: ICSL Variant Classification Criteria 13 December 2019. Collection method: clinical testing. Allele origin: germline.

Illumina Laboratory Services, Illumina
Classification: Likely benign for Bronchiectasis with or without elevated sweat chloride 2. Last evaluated: 2018-01-13. Review status: criteria provided, single submitter. Criteria: ICSL Variant Classification Criteria 13 December 2019. Collection method: clinical testing. Allele origin: germline.
Comment: This variant was observed in the ICSL laboratory as part of a predisposition screen in an ostensibly healthy population. It had not been previously curated by ICSL or reported in the Human Gene Mutation Database (HGMD: prior to June 1st, 2018), and was therefore a candidate for classification through an automated scoring system. Utilizing variant allele frequency, disease prevalence and penetrance estimates, and inheritance mode, an automated score was calculated to assess if this variant is too frequent to cause the disease. Based on the score and internal cut-off values, a variant classified as likely benign is not then subjected to further curation. The score for this variant resulted in a classification of likely benign for this disease.

NM_001038.6(SCNN1A):c.1801G>C (p.Gly601Arg)

Gene: SCNN1A (sodium channel epithelial 1 subunit alpha; minus strand). Cytogenetic location: 12p13.31.
Variant type: single nucleotide variant.
Coding change: c.1801G>C on transcript NM_001038.6 (MANE Select); coding-DNA position 1801, G replaced by C.
Protein change: p.Gly601Arg; replaces glycine 601 with arginine.
Molecular consequence: missense variant.
Genome position (GRCh38, 1-based): chr12:6,348,082, C>G on the plus strand (G>C on the coding strand, the complement: SCNN1A is on the minus strand). VCF-style: chr12-6348082-C-G. GRCh37 (hg19) VCF-style: chr12-6457248-C-G.
Other names: c.1870G>C, p.Gly624Arg (NM_001159575.2); c.1978G>C, p.Gly660Arg (NM_001159576.2); short protein forms G601R, G624R, G660R.
Identifiers: ClinVar variation 883207 (VCV000883207.4), dbSNP rs755287192, ClinGen allele CA6405702.